The following is an entry in ClinVar:

NM_001371928.1(AHDC1):c.4750G>A (p.Gly1584Ser)

Gene: AHDC1 (AT-hook DNA binding motif containing 1; minus strand). Cytogenetic location: 1p36.11.
Variant type: single nucleotide variant.
Coding change: c.4750G>A on transcript NM_001371928.1 (MANE Select); coding-DNA position 4750, G replaced by A.
Protein change: p.Gly1584Ser; replaces glycine 1584 with serine.
Molecular consequence: missense variant.
Genome position (GRCh38, 1-based): chr1:27,547,366, C>T on the plus strand (G>A on the coding strand, the complement: AHDC1 is on the minus strand). VCF-style: chr1-27547366-C-T. GRCh37 (hg19) VCF-style: chr1-27873877-C-T.
Other names: c.4750G>A, p.Gly1584Ser (NM_001029882.3); c.706G>A, p.Gly236Ser (NM_015699.1); short protein forms G236S, G1584S.
Identifiers: ClinVar variation 2718480 (VCV002718480.2), dbSNP rs774871172, ClinGen allele CA715283.

ClinVar aggregate classification (germline): Uncertain significance (1 of 4 stars; one submission).

Allele frequency attached by ClinVar (database versions not stated): ExAC 0.00002; gnomAD 0.00002; gnomAD exomes 0.00002.
gnomAD v4.1: 32 of 1,554,782 alleles (0.0021%); highest among the groups gnomAD compares: African/African-American, 0.0027%; no homozygotes.

Submission:

Labcorp Genetics (formerly Invitae), Labcorp
Classification: Uncertain significance. Last evaluated: 2024-09-05. Review status: criteria provided, single submitter. Criteria: Invitae Variant Classification Sherloc (09022015). Collection method: clinical testing. Allele origin: germline.
Comment: This sequence change replaces glycine, which is neutral and non-polar, with serine, which is neutral and polar, at codon 1584 of the AHDC1 protein (p.Gly1584Ser). This variant is present in population databases (rs774871172, gnomAD 0.04%). This variant has not been reported in the literature in individuals affected with AHDC1-related conditions. An algorithm developed to predict the effect of missense changes on protein structure and function outputs the following: PolyPhen-2: "Benign". The serine amino acid residue is found in multiple mammalian species, which suggests that this missense change does not adversely affect protein function. In summary, the available evidence is currently insufficient to determine the role of this variant in disease. Therefore, it has been classified as a Variant of Uncertain Significance.